The following is an entry in ClinVar:

ClinVar aggregate classification (germline): Likely benign (0 of 4 stars; one submission).

Conditions:
KRT10-related disorder. Also called: KRT10-related condition.

Submission:

PreventionGenetics, part of Exact Sciences
Classification: Likely benign for KRT10-related condition. Last evaluated: 2024-02-01. Review status: no assertion criteria provided. Collection method: clinical testing. Allele origin: germline.
Comment: This variant is classified as likely benign based on ACMG/AMP sequence variant interpretation guidelines (Richards et al. 2015 PMID: 25741868, with internal and published modifications).

NM_000421.5(KRT10):c.1443_1445del (p.Ser483del)

Gene: KRT10 (keratin 10; minus strand). Cytogenetic location: 17q21.2.
Variant type: Deletion.
Coding change: c.1443_1445del on transcript NM_000421.5 (MANE Select); coding-DNA positions 1443 to 1445, 3 bases deleted (AAG; older notation c.1443_1445delAAG).
Protein change: p.Ser483del; deletes serine 483.
Genome position (GRCh38, 1-based): chr17:40,819,090-40,819,092, CTT deleted on the plus strand (AAG on the coding strand, the reverse complement: KRT10 is on the minus strand); deleting any 3 consecutive bases within chr17:40,819,090-40,819,093 gives the same sequence; the c. name uses the placement nearest the transcript's 3' end. VCF-style (leftmost placement, unchanged base first): chr17-40819089-GCTT-G. GRCh37 (hg19) VCF-style: chr17-38975341-GCTT-G.
Other names: c.1443_1445del, p.Ser483del (NM_001379366.1); short protein forms S483del.
Identifiers: ClinVar variation 3050459 (VCV003050459.2), dbSNP rs778345104, ClinGen allele CA8548034.